The following is an entry in ClinVar:

NM_206926.2(SELENON):c.819G>A (p.Trp273Ter)

Gene: SELENON (selenoprotein N; plus strand). Cytogenetic location: 1p36.11.
Variant type: single nucleotide variant.
Coding change: c.819G>A on transcript NM_206926.2 (MANE Select); coding-DNA position 819, G replaced by A.
Protein change: p.Trp273Ter; replaces tryptophan 273 with a stop codon.
Molecular consequence: nonsense.
Genome position (GRCh38, 1-based): chr1:25,809,731, G>A. VCF-style: chr1-25809731-G-A. GRCh37 (hg19) VCF-style: chr1-26136222-G-A.
Other names: c.921G>A, p.Trp307Ter (NM_020451.3); short protein forms W307*, W273*.
Identifiers: ClinVar variation 530817 (VCV000530817.7), dbSNP rs1553120202, ClinGen allele CA339114664.

ClinVar aggregate classification (germline): Pathogenic (1 of 4 stars; one submission).

Conditions:
Eichsfeld type congenital muscular dystrophy (CMYO3). Also called: Rigid spine muscular dystrophy 1; MYOPATHY, SEPN1-RELATED; SELENON-related myopathy; Congenital myopathy 3 with rigid spine. Identifiers: MedGen C0410180, MONDO:0100100, OMIM 602771.

Submission:

Labcorp Genetics (formerly Invitae), Labcorp
Classification: Pathogenic for Eichsfeld type congenital muscular dystrophy. Last evaluated: 2017-08-22. Review status: criteria provided, single submitter. Criteria: Invitae Variant Classification Sherloc (09022015). Collection method: clinical testing. Allele origin: germline.
Comment: For these reasons, this variant has been classified as Pathogenic. Loss-of-function variants in SELENON are known to be pathogenic (PMID: 21131290, 21670436). This variant has not been reported in the literature in individuals with SELENON-related disease. This variant is not present in population databases (ExAC no frequency). This sequence change creates a premature translational stop signal (p.Tyr307*) in the SELENON gene. It is expected to result in an absent or disrupted protein product.

Literature cited by the submitters: PubMed 21131290; PubMed 21670436.